The following is an entry in ClinVar:

ClinVar aggregate classification (germline): Uncertain significance (1 of 4 stars; one submission).

Allele frequency attached by ClinVar (database versions not stated): gnomAD exomes below 0.00001.
gnomAD v4.1: 1 of 1,614,202 alleles (0.000062%); highest among the groups gnomAD compares: Admixed American, 0.0017%; no homozygotes.

Submission:

Labcorp Genetics (formerly Invitae), Labcorp
Classification: Uncertain significance. Last evaluated: 2024-05-06. Review status: criteria provided, single submitter. Criteria: Invitae Variant Classification Sherloc (09022015). Collection method: clinical testing. Allele origin: germline.
Comment: This sequence change replaces leucine, which is neutral and non-polar, with proline, which is neutral and non-polar, at codon 162 of the PTHLH protein (p.Leu162Pro). This variant is present in population databases (no rsID available, gnomAD 0.003%). This variant has not been reported in the literature in individuals affected with PTHLH-related conditions. Algorithms developed to predict the effect of missense changes on protein structure and function output the following: SIFT: "Not Available"; PolyPhen-2: "Benign"; Align-GVGD: "Not Available". The proline amino acid residue is found in multiple mammalian species, which suggests that this missense change does not adversely affect protein function. In summary, the available evidence is currently insufficient to determine the role of this variant in disease. Therefore, it has been classified as a Variant of Uncertain Significance.

NM_198965.2(PTHLH):c.485T>C (p.Leu162Pro)

Gene: PTHLH (parathyroid hormone like hormone; minus strand). Cytogenetic location: 12p11.22.
Variant type: single nucleotide variant.
Coding change: c.485T>C on transcript NM_198965.2 (MANE Select); coding-DNA position 485, T replaced by C.
Protein change: p.Leu162Pro; replaces leucine 162 with proline.
Molecular consequence: missense variant.
Genome position (GRCh38, 1-based): chr12:27,963,387, A>G on the plus strand (T>C on the coding strand, the complement: PTHLH is on the minus strand). VCF-style: chr12-27963387-A-G. GRCh37 (hg19) VCF-style: chr12-28116320-A-G.
Other names: c.485T>C, p.Leu162Pro (NM_002820.3, NM_198964.2, NM_198966.2); short protein forms L162P.
Identifiers: ClinVar variation 2800306 (VCV002800306.3), dbSNP rs1485377870, ClinGen allele CA384338699.